The following is an entry in ClinVar:

NM_138615.3(DHX30):c.3532_3542delinsTAGT (p.Leu1178_Gly1181delinsTer)

Gene: DHX30 (DExH-box helicase 30; plus strand). Cytogenetic location: 3p21.31.
Variant type: Indel.
Coding change: c.3532_3542delinsTAGT on transcript NM_138615.3 (MANE Select); coding-DNA positions 3532 to 3542, CTGCTGCGAGG replaced by TAGT.
Protein change: p.Leu1178_Gly1181delinsTer.
Molecular consequence: nonsense.
Genome position (GRCh38, 1-based): chr3:47,850,067-47,850,077, CTGCTGCGAGG replaced by TAGT. VCF-style: chr3-47850067-CTGCTGCGAGG-TAGT. GRCh37 (hg19) VCF-style: chr3-47891557-CTGCTGCGAGG-TAGT.
Other names: c.3448_3458delinsTAGT, p.Leu1150_Gly1153delinsTer (NM_001330990.2); c.3415_3425delinsTAGT, p.Leu1139_Gly1142delinsTer (NM_014966.4).
Identifiers: ClinVar variation 1315183 (VCV001315183.2), dbSNP rs2107188030, ClinGen allele CA2573052185.

ClinVar aggregate classification (germline): Uncertain significance (1 of 4 stars; one submission).

Submission:

GeneDx
Classification: Uncertain significance. Last evaluated: 2020-02-05. Review status: criteria provided, single submitter. Criteria: GeneDx Variant Classification Process June 2021. Collection method: clinical testing. Allele origin: germline. Affected: yes.
Comment: Not observed in large population cohorts (Lek et al., 2016); Nonsense variant predicted to result in protein truncation as the last 17 amino acids are lost, although loss-of-function variants have not been reported downstream of this position in the protein; Has not been previously published as pathogenic or benign to our knowledge